The following is an entry in ClinVar:

NM_015570.4(AUTS2):c.382G>A (p.Ala128Thr)

Gene: AUTS2 (activator of transcription and developmental regulator AUTS2; plus strand). Cytogenetic location: 7q11.22.
Variant type: single nucleotide variant.
Coding change: c.382G>A on transcript NM_015570.4 (MANE Select); coding-DNA position 382, G replaced by A.
Protein change: p.Ala128Thr; replaces alanine 128 with threonine.
Molecular consequence: missense variant.
Genome position (GRCh38, 1-based): chr7:69,899,358, G>A. VCF-style: chr7-69899358-G-A. GRCh37 (hg19) VCF-style: chr7-69364344-G-A.
Other names: c.382G>A, p.Ala128Thr (NM_001127231.3, NM_001127232.3); short protein forms A128T.
Identifiers: ClinVar variation 2803997 (VCV002803997.3), dbSNP rs1207274475, ClinGen allele CA367703472.

ClinVar aggregate classification (germline): Uncertain significance (1 of 4 stars; one submission).

Submission:

Labcorp Genetics (formerly Invitae), Labcorp
Classification: Uncertain significance. Last evaluated: 2023-10-05. Review status: criteria provided, single submitter. Criteria: Invitae Variant Classification Sherloc (09022015). Collection method: clinical testing. Allele origin: germline.
Comment: This sequence change replaces alanine, which is neutral and non-polar, with threonine, which is neutral and polar, at codon 128 of the AUTS2 protein (p.Ala128Thr). This variant is present in population databases (no rsID available, gnomAD 0.0009%). This variant has not been reported in the literature in individuals affected with AUTS2-related conditions. An algorithm developed to predict the effect of missense changes on protein structure and function (PolyPhen-2) suggests that this variant is likely to be tolerated. In summary, the available evidence is currently insufficient to determine the role of this variant in disease. Therefore, it has been classified as a Variant of Uncertain Significance.